The following is an entry in ClinVar:

NM_025103.4(IFT74):c.1519A>G (p.Ile507Val)

Gene: IFT74 (intraflagellar transport 74; plus strand). Cytogenetic location: 9p21.2.
Variant type: single nucleotide variant.
Coding change: c.1519A>G on transcript NM_025103.4 (MANE Select); coding-DNA position 1519, A replaced by G.
Protein change: p.Ile507Val; replaces isoleucine 507 with valine.
Molecular consequence: missense variant.
Genome position (GRCh38, 1-based): chr9:27,056,355, A>G. VCF-style: chr9-27056355-A-G. GRCh37 (hg19) VCF-style: chr9-27056353-A-G.
Other names: c.1519A>G, p.Ile507Val (NM_001099222.3, NM_001099223.3, NM_001349928.2); short protein forms I507V.
Identifiers: ClinVar variation 4978462 (VCV004978462.1).

ClinVar aggregate classification (germline): Uncertain significance (1 of 4 stars; one submission).

Conditions:
IFT74-related disorder. Also called: IFT74-Related Disorders; IFT74-related condition.

gnomAD v4.1: 2 of 1,588,564 alleles (0.00013%); highest among the groups gnomAD compares: Admixed American, 0.0035%; no homozygotes.

Submission:

PreventionGenetics, part of Exact Sciences
Classification: Uncertain significance for IFT74-related condition. Last evaluated: 2026-05-30. Review status: criteria provided, single submitter. Criteria: ACMG Guidelines, 2015. Collection method: clinical testing. Allele origin: germline.
Comment: The IFT74 c.1519A>G variant is predicted to result in the amino acid substitution p.Ile507Val. To our knowledge, this variant has not been reported in the literature. This variant is reported in 0.0061% of alleles in individuals of Latino descent in gnomAD. At this time, the clinical significance of this variant is uncertain due to the absence of conclusive functional and genetic evidence.